The following is an entry in ClinVar:

NM_005654.6(NR2F1):c.677T>G (p.Leu226Arg)

Gene: NR2F1 (nuclear receptor subfamily 2 group F member 1; plus strand). Cytogenetic location: 5q15.
Variant type: single nucleotide variant.
Coding change: c.677T>G on transcript NM_005654.6 (MANE Select); coding-DNA position 677, T replaced by G.
Protein change: p.Leu226Arg; replaces leucine 226 with arginine.
Molecular consequence: missense variant.
Genome position (GRCh38, 1-based): chr5:93,588,130, T>G. VCF-style: chr5-93588130-T-G. GRCh37 (hg19) VCF-style: chr5-92923836-T-G.
Other names: c.227T>G, p.Leu76Arg (NM_001410754.1); short protein forms L226R, L76R.
Identifiers: ClinVar variation 1810696 (VCV001810696.2), dbSNP rs2480808816, ClinGen allele CA360526840.

ClinVar aggregate classification (germline): Uncertain significance (1 of 4 stars; one submission).

Submission:

GeneDx
Classification: Uncertain significance. Last evaluated: 2026-07-15. Review status: criteria provided, single submitter. Criteria: GeneDx Variant Classification Process June 2021. Collection method: clinical testing. Allele origin: germline.
Comment: Not observed at significant frequency in large population cohorts (gnomAD); In silico analysis supports that this missense variant has a deleterious effect on protein structure/function; Has not been previously published as pathogenic or benign to our knowledge; This variant is associated with the following publications: (PMID: 26986877)